The following is an entry in ClinVar:

NM_000059.4(BRCA2):c.3577G>A (p.Ala1193Thr)

Gene: BRCA2 (BRCA2 DNA repair associated; plus strand). Cytogenetic location: 13q13.1.
Variant type: single nucleotide variant.
Coding change: c.3577G>A on transcript NM_000059.4 (MANE Select); coding-DNA position 3577, G replaced by A.
Protein change: p.Ala1193Thr; replaces alanine 1193 with threonine.
Molecular consequence: missense variant.
Genome position (GRCh38, 1-based): chr13:32,337,932, G>A. VCF-style: chr13-32337932-G-A. GRCh37 (hg19) VCF-style: chr13-32912069-G-A.
Other names: short protein forms A1193T.
Identifiers: ClinVar variation 462298 (VCV000462298.11), dbSNP rs1555283297, ClinGen allele CA387777366.

ClinVar aggregate classification (germline): Conflicting classifications of pathogenicity. Review status: criteria provided, conflicting classifications (1 of 4 stars). 4 submissions from 4 submitters: Uncertain significance (2); Likely benign (2). Last evaluated 2024-08-15.

Conditions:
Hereditary cancer-predisposing syndrome. Also called: Neoplastic Syndromes, Hereditary; Hereditary Cancer Syndrome; Hereditary neoplastic syndrome; Tumor predisposition. Identifiers: Orphanet 140162, MedGen C0027672, MeSH D009386, MONDO:0015356.
Hereditary breast ovarian cancer syndrome. Also called: Hereditary breast and ovarian cancer syndrome (HBOC); Hereditary breast and ovarian cancer syndrome; Breast and ovarian cancer; Hereditary breast and/or ovarian cancer syndrome; Hereditary breast and ovarian cancer; BRCA1- and BRCA2-Associated Hereditary Breast and Ovarian Cancer. Identifiers: Orphanet 145, MedGen C0677776, MeSH D061325, MONDO:0003582. Disease mechanism: loss of function.

Submissions (4):

Ambry Genetics
Classification: Likely benign for Hereditary cancer-predisposing syndrome. Last evaluated: 2024-08-15. Review status: criteria provided, single submitter. Criteria: Ambry Variant Classification Scheme 2023. Collection method: clinical testing. Allele origin: germline.

University of Washington Department of Laboratory Medicine, University of Washington
Classification: Likely benign for Hereditary cancer-predisposing syndrome. Last evaluated: 2023-03-23. Review status: criteria provided, single submitter. Criteria: Dines et al. (Genet Med. 2020). Collection method: curation. Allele origin: germline.
Comment: Missense variant in a coldspot region where missense variants are very unlikely to be pathogenic (PMID:31911673).

BRCA2 exon 11 coldspot. Reclassification based on statistical prior probability.

Labcorp Genetics (formerly Invitae), Labcorp
Classification: Uncertain significance for Hereditary breast ovarian cancer syndrome. Last evaluated: 2022-06-14. Review status: criteria provided, single submitter. Criteria: Invitae Variant Classification Sherloc (09022015). Collection method: clinical testing. Allele origin: germline.
Comment: In summary, the available evidence is currently insufficient to determine the role of this variant in disease. Therefore, it has been classified as a Variant of Uncertain Significance. Advanced modeling of protein sequence and biophysical properties (such as structural, functional, and spatial information, amino acid conservation, physicochemical variation, residue mobility, and thermodynamic stability) performed at Invitae indicates that this missense variant is not expected to disrupt BRCA2 protein function. ClinVar contains an entry for this variant (Variation ID: 462298). This variant has not been reported in the literature in individuals affected with BRCA2-related conditions. This variant is not present in population databases (gnomAD no frequency). This sequence change replaces alanine, which is neutral and non-polar, with threonine, which is neutral and polar, at codon 1193 of the BRCA2 protein (p.Ala1193Thr).

Color Diagnostics, LLC DBA Color Health
Classification: Uncertain significance for Hereditary cancer-predisposing syndrome. Last evaluated: 2019-05-05. Review status: criteria provided, single submitter. Criteria: ACMG Guidelines, 2015. Collection method: clinical testing. Allele origin: germline.